The following is an entry in ClinVar:

ClinVar aggregate classification (germline): Likely benign (1 of 4 stars; one submission).

Allele frequency attached by ClinVar (database versions not stated): TOPMed 0.00005; gnomAD 0.00009; 1000 Genomes Project 30x 0.00016; 1000 Genomes Project 0.00020; gnomAD exomes 0.00025; ExAC 0.00050.
gnomAD v4.1: 374 of 1,613,254 alleles (0.023%); highest among the groups gnomAD compares: South Asian, 0.35%; 1 homozygote.

Submission:

CeGaT Center for Human Genetics Tuebingen
Classification: Likely benign. Last evaluated: 2022-09-01. Review status: criteria provided, single submitter. Criteria: CeGaT Center For Human Genetics Tuebingen Variant Classification Criteria Version 2. Collection method: clinical testing. Allele origin: germline. Affected: yes. Observed: 1 variant allele.
Comment: LRIF1: BP4, BP7

NM_018372.4(LRIF1):c.1035G>A (p.Thr345=)

Gene: LRIF1 (ligand dependent nuclear receptor interacting factor 1; minus strand). Cytogenetic location: 1p13.3.
Variant type: single nucleotide variant.
Coding change: c.1035G>A on transcript NM_018372.4 (MANE Select); coding-DNA position 1035, G replaced by A.
Protein change: p.Thr345=; no amino-acid change (threonine 345 retained).
Molecular consequence: synonymous variant. On other transcripts: intron variant (1).
Genome position (GRCh38, 1-based): chr1:110,951,849, C>T on the plus strand (G>A on the coding strand, the complement: LRIF1 is on the minus strand). VCF-style: chr1-110951849-C-T. GRCh37 (hg19) VCF-style: chr1-111494471-C-T.
Other names: c.-12-1726G>A (NM_001006945.2).
Identifiers: ClinVar variation 2638992 (VCV002638992.24), dbSNP rs572605758, ClinGen allele CA1001512.